The following is an entry in ClinVar:

ClinVar aggregate classification (germline): Likely benign. Review status: criteria provided, multiple submitters, no conflicts (2 of 4 stars). 3 submissions from 3 submitters: Likely benign (2). 1 of the submissions does not count toward it. Last evaluated 2026-02-02.

Conditions:
PDE6D-related disorder. Also called: PDE6D-related condition.
Joubert syndrome 22 (JBTS22). Identifiers: Orphanet 2754, MedGen C3810278, MONDO:0014297, OMIM 615665.

Allele frequency attached by ClinVar (database versions not stated): gnomAD exomes 0.00039; ExAC 0.00049; 1000 Genomes Project 0.00120; ESP Exome Variant Server 0.00123; 1000 Genomes Project 30x 0.00156; gnomAD 0.00167 and 0.00181; TOPMed 0.00168.
gnomAD v4.1: 479 of 1,611,924 alleles (0.03%); highest among the groups gnomAD compares: African/African-American, 0.56%; 2 homozygotes.

Submissions (3):

Labcorp Genetics (formerly Invitae), Labcorp
Classification: Likely benign for Joubert syndrome 22. Last evaluated: 2026-02-02. Review status: criteria provided, single submitter. Criteria: Invitae Variant Classification Sherloc (09022015). Collection method: clinical testing. Allele origin: germline.

Blueprint Genetics
Classification: Likely benign. Last evaluated: 2023-07-13. Review status: criteria provided, single submitter. Criteria: ACMG Guidelines, 2015. Collection method: clinical testing. Allele origin: germline.

PreventionGenetics, part of Exact Sciences
Classification: Likely benign for PDE6D-related condition. Last evaluated: 2022-02-03. Review status: no assertion criteria provided. Collection method: clinical testing. Allele origin: germline. Not counted in ClinVar's aggregate classification.
Comment: This variant is classified as likely benign based on ACMG/AMP sequence variant interpretation guidelines (Richards et al. 2015 PMID: 25741868, with internal and published modifications).

NM_002601.4(PDE6D):c.406G>A (p.Asp136Asn)

Gene: PDE6D (phosphodiesterase 6D; minus strand). Cytogenetic location: 2q37.1.
Variant type: single nucleotide variant.
Coding change: c.406G>A on transcript NM_002601.4 (MANE Select); coding-DNA position 406, G replaced by A.
Protein change: p.Asp136Asn; replaces aspartic acid 136 with asparagine.
Molecular consequence: missense variant. On other transcripts: 3 prime UTR variant (1).
Genome position (GRCh38, 1-based): chr2:231,732,999, C>T on the plus strand (G>A on the coding strand, the complement: PDE6D is on the minus strand). VCF-style: chr2-231732999-C-T. GRCh37 (hg19) VCF-style: chr2-232597709-C-T.
Other names: c.*18G>A (NM_001291018.2); short protein forms D136N.
Identifiers: ClinVar variation 772599 (VCV000772599.12), dbSNP rs142298615, ClinGen allele CA2163172.